The following is an entry in ClinVar:

ClinVar aggregate classification (germline): Uncertain significance (1 of 4 stars; one submission).

Conditions:
Ornithine carbamoyltransferase deficiency (OTCD). Also called: Ornithine Carbamoyltransferase Deficiency Disease; ORNITHINE TRANSCARBAMYLASE DEFICIENCY; ORNITHINE TRANSCARBAMYLASE DEFICIENCY, HYPERAMMONEMIA DUE TO; OTC DEFICIENCY. Identifiers: Orphanet 664, MedGen C0268542, MONDO:0010703, OMIM 311250.

Submission:

Labcorp Genetics (formerly Invitae), Labcorp
Classification: Uncertain significance for Ornithine carbamoyltransferase deficiency. Last evaluated: 2026-01-20. Review status: criteria provided, single submitter. Criteria: Invitae Variant Classification Sherloc (09022015). Collection method: clinical testing. Allele origin: germline.
Comment: This sequence change falls in intron 3 of the OTC gene. It does not directly change the encoded amino acid sequence of the OTC protein. It affects a nucleotide within the consensus splice site. This variant is not present in population databases (gnomAD no frequency). This variant has not been reported in the literature in individuals affected with OTC-related conditions. Variants that disrupt the consensus splice site are a relatively common cause of aberrant splicing (PMID: 17576681, 9536098). Algorithms developed to predict the effect of sequence changes on RNA splicing suggest that this variant may disrupt the consensus splice site. In summary, the available evidence is currently insufficient to determine the role of this variant in disease. Therefore, it has been classified as a Variant of Uncertain Significance.

Literature cited by the submitters: PubMed 17576681; PubMed 9536098.

NM_000531.6(OTC):c.298+5G>A

Gene: OTC (ornithine transcarbamylase; plus strand). Cytogenetic location: Xp11.4.
Variant type: single nucleotide variant.
Coding change: c.298+5G>A on transcript NM_000531.6 (MANE Select); 5 bases into the intron after coding-DNA position 298, G replaced by A.
Molecular consequence: intron variant.
Genome position (GRCh38, 1-based): chrX:38,369,882, G>A. VCF-style: chrX-38369882-G-A. GRCh37 (hg19) VCF-style: chrX-38229135-G-A.
Other names: c.298+5G>A (NM_001407092.1).
Identifiers: ClinVar variation 4739057 (VCV004739057.1).